The following is an entry in ClinVar:

ClinVar aggregate classification (germline): Likely benign (1 of 4 stars; one submission).

Submission:

CeGaT Center for Human Genetics Tuebingen
Classification: Likely benign. Last evaluated: 2022-05-01. Review status: criteria provided, single submitter. Criteria: CeGaT Center For Human Genetics Tuebingen Variant Classification Criteria Version 2. Collection method: clinical testing. Allele origin: germline. Affected: yes. Observed: 1 variant allele.
Comment: PURA: PM2:Supporting, BP4, BP7

NM_005859.5(PURA):c.306C>G (p.Leu102=)

Gene: PURA (purine rich element binding protein A; plus strand). Cytogenetic location: 5q31.3.
Variant type: single nucleotide variant.
Coding change: c.306C>G on transcript NM_005859.5 (MANE Select); coding-DNA position 306, C replaced by G.
Protein change: p.Leu102=; no amino-acid change (leucine 102 retained).
Molecular consequence: synonymous variant.
Genome position (GRCh38, 1-based): chr5:140,114,487, C>G. VCF-style: chr5-140114487-C-G. GRCh37 (hg19) VCF-style: chr5-139494072-C-G.
Identifiers: ClinVar variation 2655736 (VCV002655736.24), dbSNP rs762714935, ClinGen allele CA446831036.